The following is an entry in ClinVar:

NM_000064.4(C3):c.2945T>C (p.Leu982Pro)

Gene: C3 (complement C3; minus strand). Cytogenetic location: 19p13.3.
Variant type: single nucleotide variant.
Coding change: c.2945T>C on transcript NM_000064.4 (MANE Select); coding-DNA position 2945, T replaced by C.
Protein change: p.Leu982Pro; replaces leucine 982 with proline.
Molecular consequence: missense variant.
Genome position (GRCh38, 1-based): chr19:6,696,384, A>G on the plus strand (T>C on the coding strand, the complement: C3 is on the minus strand). VCF-style: chr19-6696384-A-G. GRCh37 (hg19) VCF-style: chr19-6696395-A-G.
Other names: short protein forms L982P.
Identifiers: ClinVar variation 1363497 (VCV001363497.8), dbSNP rs2145410143, ClinGen allele CA403631090.

ClinVar aggregate classification (germline): Uncertain significance (1 of 4 stars; one submission).

Submission:

Labcorp Genetics (formerly Invitae), Labcorp
Classification: Uncertain significance. Last evaluated: 2025-06-03. Review status: criteria provided, single submitter. Criteria: Invitae Variant Classification Sherloc (09022015). Collection method: clinical testing. Allele origin: germline.
Comment: This sequence change replaces leucine, which is neutral and non-polar, with proline, which is neutral and non-polar, at codon 982 of the C3 protein (p.Leu982Pro). This variant is not present in population databases (gnomAD no frequency). This variant has not been reported in the literature in individuals affected with C3-related conditions. ClinVar contains an entry for this variant (Variation ID: 1363497). Invitae Evidence Modeling of protein sequence and biophysical properties (such as structural, functional, and spatial information, amino acid conservation, physicochemical variation, residue mobility, and thermodynamic stability) has been performed for this missense variant. However, the output from this modeling did not meet the statistical confidence thresholds required to predict the impact of this variant on C3 protein function. In summary, the available evidence is currently insufficient to determine the role of this variant in disease. Therefore, it has been classified as a Variant of Uncertain Significance.